The following is an entry in ClinVar:

ClinVar aggregate classification (germline): Uncertain significance (1 of 4 stars; one submission).

Conditions:
Inborn genetic diseases. Identifiers: MedGen C0950123, MeSH D030342.

Submission:

Ambry Genetics
Classification: Uncertain significance for Inborn genetic diseases. Last evaluated: 2025-10-16. Review status: criteria provided, single submitter. Criteria: Ambry Variant Classification Scheme 2023. Collection method: clinical testing. Allele origin: germline.
Comment: The p.L1338R variant (also known as c.4013T>G), located in coding exon 41 of the FANCA gene, results from a T to G substitution at nucleotide position 4013. The leucine at codon 1338 is replaced by arginine, an amino acid with dissimilar properties. This amino acid position is conserved. In addition, this alteration is predicted to be deleterious by in silico analysis. Based on the available evidence, the clinical significance of this variant remains unclear.

NM_000135.4(FANCA):c.4013T>G (p.Leu1338Arg)

Genes: FANCA (FA complementation group A; minus strand), ZNF276 (zinc finger protein 276; plus strand). Cytogenetic location: 16q24.3.
Variant type: single nucleotide variant.
Coding change: c.4013T>G on transcript NM_000135.4 (MANE Select); coding-DNA position 4013, T replaced by G.
Protein change: p.Leu1338Arg; replaces leucine 1338 with arginine.
Molecular consequence: missense variant. On other transcripts: 3 prime UTR variant (2), non-coding transcript variant (4).
Genome position (GRCh38, 1-based): chr16:89,739,287, A>C on the plus strand (T>G on the coding strand, the complement: FANCA is on the minus strand). VCF-style: chr16-89739287-A-C. GRCh37 (hg19) VCF-style: chr16-89805695-A-C.
Other names: c.4013T>G, p.Leu1338Arg (NM_001286167.3); c.*1041A>C (NM_001113525.2, NM_152287.4); short protein forms L1338R.
Identifiers: ClinVar variation 4619207 (VCV004619207.1).
Genomic context (GRCh38, chr16:89,739,287, plus strand): 5'-ACAGCAACATGCAGGAAGGCCTCTTCCCTGATGGCCGCGTCTTCATGGAAGTAGGAGAGA[A>C]GACTAGAGGTAAAGACATAGTGACAAATGGCTACAGACTGCTGGAAAGGTAGCAGGTGAT-3'
Protein context (NP_000126.2, residues 1328-1348): TRLLPFAFYS[Leu1338Arg]LSYFHEDAAI